The following is an entry in ClinVar:

ClinVar aggregate classification (germline): Uncertain significance (1 of 4 stars; one submission).

Allele frequency attached by ClinVar (database versions not stated): gnomAD exomes below 0.00001.
gnomAD v4.1: 2 of 1,606,706 alleles (0.00012%); highest among the groups gnomAD compares: Non-Finnish European, 0.00017%; no homozygotes.

Submission:

Labcorp Genetics (formerly Invitae), Labcorp
Classification: Uncertain significance. Last evaluated: 2024-10-30. Review status: criteria provided, single submitter. Criteria: Invitae Variant Classification Sherloc (09022015). Collection method: clinical testing. Allele origin: germline.
Comment: This sequence change replaces leucine, which is neutral and non-polar, with phenylalanine, which is neutral and non-polar, at codon 255 of the COL18A1 protein (p.Leu255Phe). This variant is not present in population databases (gnomAD no frequency). This variant has not been reported in the literature in individuals affected with COL18A1-related conditions. ClinVar contains an entry for this variant (Variation ID: 2013798). Experimental studies and prediction algorithms are not available or were not evaluated, and the functional significance of this variant is currently unknown. In summary, the available evidence is currently insufficient to determine the role of this variant in disease. Therefore, it has been classified as a Variant of Uncertain Significance.

NM_001379500.1(COL18A1):c.763C>T (p.Leu255Phe)

Gene: COL18A1 (collagen type XVIII alpha 1 chain; plus strand). Cytogenetic location: 21q22.3.
Variant type: single nucleotide variant.
Coding change: c.763C>T on transcript NM_001379500.1 (MANE Select); coding-DNA position 763, C replaced by T.
Protein change: p.Leu255Phe; replaces leucine 255 with phenylalanine.
Molecular consequence: missense variant.
Genome position (GRCh38, 1-based): chr21:45,475,500, C>T. VCF-style: chr21-45475500-C-T. GRCh37 (hg19) VCF-style: chr21-46895414-C-T.
Other names: c.1303C>T, p.Leu435Phe (NM_030582.4); c.2008C>T, p.Leu670Phe (NM_130444.3); short protein forms L435F, L670F, L255F.
Identifiers: ClinVar variation 2013798 (VCV002013798.4), dbSNP rs2035614661, ClinGen allele CA410513483.
Genomic context (GRCh38, chr21:45,475,500, plus strand): 5'-CCATCTCTCCAGCCTTTCCCTTTTCAAACTCCTCAGGCATCCGGAGACTCTGGCAGCGGG[C>T]TCGGGGACGCCCGGGAGCTTCTCAGGGAGGAGACGGTGAGTAGCCGGACGGGGCCCAGCC-3'
Protein context (NP_001366429.1, residues 245-265): DGASGDSGSG[Leu255Phe]GDARELLREE